The following is an entry in ClinVar:

NM_018062.4(FANCL):c.1064T>A (p.Ile355Lys)

Gene: FANCL (FA complementation group L; minus strand). Cytogenetic location: 2p16.1.
Variant type: single nucleotide variant.
Coding change: c.1064T>A on transcript NM_018062.4 (MANE Select); coding-DNA position 1064, T replaced by A.
Protein change: p.Ile355Lys; replaces isoleucine 355 with lysine.
Molecular consequence: missense variant. On other transcripts: non-coding transcript variant (2).
Genome position (GRCh38, 1-based): chr2:58,160,136, A>T on the plus strand (T>A on the coding strand, the complement: FANCL is on the minus strand). VCF-style: chr2-58160136-A-T. GRCh37 (hg19) VCF-style: chr2-58387271-A-T.
Other names: c.1079T>A, p.Ile360Lys (NM_001114636.2, NM_001438890.1); c.1109T>A, p.Ile370Lys (NM_001374615.1, NM_001438889.1); c.1124T>A, p.Ile375Lys (NM_001410792.1); c.1064T>A, p.Ile355Lys (NM_001438891.1); c.620T>A, p.Ile207Lys (NM_001438892.1); short protein forms I375K, I207K, I355K, I370K, I360K.
Identifiers: ClinVar variation 4746610 (VCV004746610.1).

ClinVar aggregate classification (germline): Uncertain significance (1 of 4 stars; one submission).

Conditions:
Fanconi anemia (FA). Also called: Fanconi's anemia. Identifiers: Orphanet 84, MedGen C0015625, MeSH D005199, MONDO:0019391.

Submission:

Labcorp Genetics (formerly Invitae), Labcorp
Classification: Uncertain significance for Fanconi anemia. Last evaluated: 2025-08-14. Review status: criteria provided, single submitter. Criteria: Invitae Variant Classification Sherloc (09022015). Collection method: clinical testing. Allele origin: germline.
Comment: This sequence change replaces isoleucine, which is neutral and non-polar, with lysine, which is basic and polar, at codon 355 of the FANCL protein (p.Ile355Lys). This variant is not present in population databases (gnomAD no frequency). This variant has not been reported in the literature in individuals affected with FANCL-related conditions. Invitae Evidence Modeling of protein sequence and biophysical properties (such as structural, functional, and spatial information, amino acid conservation, physicochemical variation, residue mobility, and thermodynamic stability) indicates that this missense variant is expected to disrupt FANCL protein function with a positive predictive value of 80%. In summary, the available evidence is currently insufficient to determine the role of this variant in disease. Therefore, it has been classified as a Variant of Uncertain Significance.